The following is an entry in ClinVar:

NM_000222.3(KIT):c.2234-3C>A

Gene: KIT (KIT proto-oncogene, receptor tyrosine kinase; plus strand). Cytogenetic location: 4q12.
Variant type: single nucleotide variant.
Coding change: c.2234-3C>A on transcript NM_000222.3 (MANE Select); 3 bases into the intron before coding-DNA position 2234, C replaced by A.
Molecular consequence: intron variant.
Genome position (GRCh38, 1-based): chr4:54,731,868, C>A. VCF-style: chr4-54731868-C-A. GRCh37 (hg19) VCF-style: chr4-55598034-C-A.
Other names: c.2237-3C>A (NM_001385284.1); c.2234-3C>A (NM_001385290.1); c.2225-3C>A (NM_001385288.1); c.2222-3C>A (NM_001385292.1, NM_001093772.2); c.2231-3C>A (NM_001385285.1); c.2219-3C>A (NM_001385286.1).
Identifiers: ClinVar variation 1010521 (VCV001010521.9), dbSNP rs370131461, ClinGen allele CA1458742932.
Genomic context (GRCh38, chr4:54,731,868, plus strand): 5'-TGTCTTTTCCTTTCCTGACCTTTATGGTTGTAATTGCTAAGAAAAATCCTCTCTTCCTCA[C>A]AGGCTCATACATAGAAAGAGATGTGACTCCCGCCATCATGGAGGATGACGAGTTGGCCCT-3'

ClinVar aggregate classification (germline): Uncertain significance (1 of 4 stars; one submission).

Conditions:
Gastrointestinal stromal tumor. Also called: Gastrointestinal stromal tumor, somatic; Gastrointestinal stroma tumor. Identifiers: Orphanet 44890, MedGen C0238198, MeSH D046152, MONDO:0011719, OMIM 606764, HP:0100723.

gnomAD v4.1: 1 of 1,613,204 alleles (0.000062%); highest among the groups gnomAD compares: African/African-American, 0.0013%; no homozygotes.

Submission:

Labcorp Genetics (formerly Invitae), Labcorp
Classification: Uncertain significance for Gastrointestinal stromal tumor. Last evaluated: 2025-04-20. Review status: criteria provided, single submitter. Criteria: Invitae Variant Classification Sherloc (09022015). Collection method: clinical testing. Allele origin: germline.
Comment: This sequence change falls in intron 15 of the KIT gene. It does not directly change the encoded amino acid sequence of the KIT protein. It affects a nucleotide within the consensus splice site. This variant is not present in population databases (gnomAD no frequency). This variant has not been reported in the literature in individuals affected with KIT-related conditions. ClinVar contains an entry for this variant (Variation ID: 1010521). Variants that disrupt the consensus splice site are a relatively common cause of aberrant splicing (PMID: 17576681, 9536098). Algorithms developed to predict the effect of sequence changes on RNA splicing suggest that this variant is not likely to affect RNA splicing. In summary, the available evidence is currently insufficient to determine the role of this variant in disease. Therefore, it has been classified as a Variant of Uncertain Significance.

Literature cited by the submitters: PubMed 17576681; PubMed 9536098.